The following is an entry in ClinVar:

ClinVar aggregate classification (germline): Uncertain significance (1 of 4 stars; one submission).

Conditions:
Inborn genetic diseases. Identifiers: MedGen C0950123, MeSH D030342.

Submission:

Ambry Genetics
Classification: Uncertain significance for Inborn genetic diseases. Last evaluated: 2025-09-02. Review status: criteria provided, single submitter. Criteria: Ambry Variant Classification Scheme 2023. Collection method: clinical testing. Allele origin: germline.
Comment: The p.E745D variant (also known as c.2235G>T), located in coding exon 18 of the DNMT3A gene, results from a G to T substitution at nucleotide position 2235. The glutamic acid at codon 745 is replaced by aspartic acid, an amino acid with highly similar properties. This amino acid position is conserved. In addition, the in silico prediction for this alteration is inconclusive. Based on the available evidence, the clinical significance of this variant remains unclear.

NM_022552.5(DNMT3A):c.2235G>T (p.Glu745Asp)

Gene: DNMT3A (DNA methyltransferase 3 alpha; minus strand). Cytogenetic location: 2p23.3.
Variant type: single nucleotide variant.
Coding change: c.2235G>T on transcript NM_022552.5 (MANE Select); coding-DNA position 2235, G replaced by T.
Protein change: p.Glu745Asp; replaces glutamic acid 745 with aspartic acid.
Molecular consequence: missense variant. On other transcripts: non-coding transcript variant (1).
Genome position (GRCh38, 1-based): chr2:25,240,389, C>A on the plus strand (G>T on the coding strand, the complement: DNMT3A is on the minus strand). VCF-style: chr2-25240389-C-A. GRCh37 (hg19) VCF-style: chr2-25463258-C-A.
Other names: c.1779G>T, p.Glu593Asp (NM_001320893.1); c.1566G>T, p.Glu522Asp (NM_001375819.1); c.1668G>T, p.Glu556Asp (NM_153759.3); c.2235G>T, p.Glu745Asp (NM_175629.2); short protein forms E593D, E745D, E522D, E556D.
Identifiers: ClinVar variation 4243628 (VCV004243628.1).
Genomic context (GRCh38, chr2:25,240,389, plus strand): 5'-GTCACTAACGCCCATGGCCACCACATTCTCAAAGAGCCAGAAGAAGGGGCGATCATCTCC[C>A]TCCTTGGGCCGCGCATCATGCAGGAGGCGGTAGAACTCAAAGAAGAGCCGGCCAGTGCCC-3'
Protein context (NP_072046.2, residues 735-755): YRLLHDARPK[Glu745Asp]GDDRPFFWLF